The following is an entry in ClinVar:

NM_001267550.2(TTN):c.103610G>A (p.Arg34537Gln)

Genes: TTN (titin; minus strand), TTN-AS1 (TTN antisense RNA 1; plus strand). Cytogenetic location: 2q31.2.
Variant type: single nucleotide variant.
Coding change: c.103610G>A on transcript NM_001267550.2 (MANE Select); coding-DNA position 103610, G replaced by A.
Protein change: p.Arg34537Gln; replaces arginine 34537 with glutamine.
Molecular consequence: missense variant.
Genome position (GRCh38, 1-based): chr2:178,533,005, C>T on the plus strand (G>A on the coding strand, the complement: TTN is on the minus strand). VCF-style: chr2-178533005-C-T. GRCh37 (hg19) VCF-style: chr2-179397732-C-T.
Other names: c.98687G>A, p.Arg32896Gln (NM_001256850.1); c.76415G>A, p.Arg25472Gln (NM_003319.4); c.95906G>A, p.Arg31969Gln (NM_133378.4); c.76790G>A, p.Arg25597Gln (NM_133432.3); c.76991G>A, p.Arg25664Gln (NM_133437.4); short protein forms R31969Q, R34537Q, R25597Q, R32896Q, R25472Q, R25664Q.
Identifiers: ClinVar variation 263435 (VCV000263435.5), dbSNP rs369028576, ClinGen allele CA1985576.
Genomic context (GRCh38, chr2:178,533,005, plus strand): 5'-TGGTCTTCTTCTATGGTAGTCTGCTTATACTTGCGTGGCTCTGGTACATCATAAGGCATC[C>T]GGAGTTTTCTCTCCTCCTTCTTTTCTTCTATCTCAAGTCTGAATTCCCCTTTTACAGTCT-3'
Protein context (NP_001254479.2, residues 34527-34547): IEEKKEERKL[Arg34537Gln]MPYDVPEPRK

ClinVar aggregate classification (germline): Uncertain significance. Review status: criteria provided, multiple submitters, no conflicts (2 of 4 stars). 3 submissions from 3 submitters: Uncertain significance (3). Last evaluated 2025-03-28.

Conditions:
Cardiovascular phenotype. Identifiers: MedGen CN230736.
TTN-related disorder. Also called: TTN-related condition; TTN-related disease; TTN-related disorders.

Allele frequency attached by ClinVar (database versions not stated): ExAC 0.00002; gnomAD exomes 0.00002 and 0.00003; gnomAD 0.00003; TOPMed 0.00006.
gnomAD v4.1: 26 of 1,613,720 alleles (0.0016%); highest among the groups gnomAD compares: Admixed American, 0.01%; no homozygotes.

Submissions (3):

PreventionGenetics, part of Exact Sciences
Classification: Uncertain significance for TTN-related condition. Last evaluated: 2025-03-28. Review status: criteria provided, single submitter. Criteria: ACMG Guidelines, 2015. Collection method: clinical testing. Allele origin: germline.
Comment: The TTN c.103610G>A variant is predicted to result in the amino acid substitution p.Arg34537Gln. To our knowledge, this variant has not been reported in the literature. This variant is reported in 0.020% of alleles in individuals of Latino descent in gnomAD. At this time, the clinical significance of this variant is uncertain due to the absence of conclusive functional and genetic evidence.

Ambry Genetics
Classification: Uncertain significance for Cardiovascular phenotype. Last evaluated: 2012-11-28. Review status: criteria provided, single submitter. Criteria: Ambry Autosomal Dominant and X-Linked criteria (10/2015). Collection method: clinical testing. Allele origin: germline. Observed: 1 variant allele.
Comment: There is insufficient or conflicting evidence for classification of this alteration.

Breakthrough Genomics
Classification: Uncertain significance. Review status: criteria provided, single submitter. Criteria: ACMG Guidelines, 2015. Collection method: not provided. Allele origin: germline. Inheritance: Autosomal recessive inheritance. Affected: yes.